The following is an entry in ClinVar:

ClinVar aggregate classification (germline): Uncertain significance (1 of 4 stars; one submission).

Conditions:
Combined immunodeficiency due to LRBA deficiency. Also called: Common variable immunodeficiency 8, with autoimmunity. Identifiers: Orphanet 445018, MedGen C3553512, MONDO:0013863, OMIM 614700.

Submission:

Labcorp Genetics (formerly Invitae), Labcorp
Classification: Uncertain significance for Combined immunodeficiency due to LRBA deficiency. Last evaluated: 2022-07-05. Review status: criteria provided, single submitter. Criteria: Invitae Variant Classification Sherloc (09022015). Collection method: clinical testing. Allele origin: germline.
Comment: This sequence change replaces valine, which is neutral and non-polar, with isoleucine, which is neutral and non-polar, at codon 2372 of the LRBA protein (p.Val2372Ile). This variant is not present in population databases (gnomAD no frequency). This variant has not been reported in the literature in individuals affected with LRBA-related conditions. ClinVar contains an entry for this variant (Variation ID: 1358188). Algorithms developed to predict the effect of missense changes on protein structure and function are either unavailable or do not agree on the potential impact of this missense change (SIFT: "Tolerated"; PolyPhen-2: "Probably Damaging"; Align-GVGD: "Class C0"). In summary, the available evidence is currently insufficient to determine the role of this variant in disease. Therefore, it has been classified as a Variant of Uncertain Significance.

NM_001364905.1(LRBA):c.7081G>A (p.Val2361Ile)

Gene: LRBA (LPS responsive beige-like anchor protein; minus strand). Cytogenetic location: 4q31.3.
Variant type: single nucleotide variant.
Coding change: c.7081G>A on transcript NM_001364905.1 (MANE Select); coding-DNA position 7081, G replaced by A.
Protein change: p.Val2361Ile; replaces valine 2361 with isoleucine.
Molecular consequence: missense variant.
Genome position (GRCh38, 1-based): chr4:150,415,551, C>T on the plus strand (G>A on the coding strand, the complement: LRBA is on the minus strand). VCF-style: chr4-150415551-C-T. GRCh37 (hg19) VCF-style: chr4-151336703-C-T.
Other names: c.7081G>A, p.Val2361Ile (NM_001199282.3, NM_001367550.1); c.7114G>A, p.Val2372Ile (NM_006726.5); short protein forms V2372I, V2361I.
Identifiers: ClinVar variation 1358188 (VCV001358188.8), dbSNP rs2151952041, ClinGen allele CA358604532.
Genomic context (GRCh38, chr4:150,415,551, plus strand): 5'-CGACATCAGACACTACTGTCCCATCATCCATCACTCCAAGATTATAATTATTGAAGTTGA[C>T]AAACATCTCAGGGAGATAATAAAATTCAGGGATCAACTCCTATATAAAAATAAAAGACAA-3'
Protein context (NP_001351834.1, residues 2351-2371): PEFYYLPEMF[Val2361Ile]NFNNYNLGVM